The following is an entry in ClinVar:

ClinVar aggregate classification (germline): Uncertain significance (1 of 4 stars; one submission).

Conditions:
Familial melanoma. Also called: Hereditary melanoma; Hereditary cutaneous melanoma. Identifiers: Orphanet 618, MedGen C1512419, MONDO:0018961.

Submission:

Labcorp Genetics (formerly Invitae), Labcorp
Classification: Uncertain significance for Familial melanoma. Last evaluated: 2021-06-23. Review status: criteria provided, single submitter. Criteria: Invitae Variant Classification Sherloc (09022015). Collection method: clinical testing. Allele origin: germline.
Comment: In summary, the available evidence is currently insufficient to determine the role of this variant in disease. Therefore, it has been classified as a Variant of Uncertain Significance. The CDKN2A gene encodes two different proteins, p16INK4a and p14ARF, which are translated from alternative transcripts that have different open reading frames. Algorithms developed to predict the effect of missense changes on protein structure and function (SIFT, PolyPhen-2, Align-GVGD) all suggest that p.Cys72Gly in p16INK4a and p.Leu86Arg in p14ARF are likely to be tolerated, but these predictions have not been confirmed by published functional studies. This variant has not been reported in the literature in individuals with CDKN2A-related disease. This variant is not present in population databases (ExAC no frequency). This sequence change replaces cysteine with glycine at codon 72 of the CDKN2A (p16INK4a) protein (p.Cys72Gly). The cysteine residue is moderately conserved and there is a large physicochemical difference between cysteine and glycine. Alternatively, this sequence change replaces leucine with arginine at codon 86 of the CDKN2A (p14ARF) protein (p.Leu86Arg). The leucine residue is highly conserved and there is a moderate physicochemical difference between leucine and arginine.

NM_000077.5(CDKN2A):c.214T>G (p.Cys72Gly)

Gene: CDKN2A (cyclin dependent kinase inhibitor 2A; minus strand). Cytogenetic location: 9p21.3.
Variant type: single nucleotide variant.
Coding change: c.214T>G on transcript NM_000077.5; coding-DNA position 214, T replaced by G.
Protein change: p.Cys72Gly; replaces cysteine 72 with glycine.
Molecular consequence: missense variant (on NM_000077.6). On other transcripts: 3 prime UTR variant (1).
Genome position (GRCh38, 1-based): chr9:21,971,145, A>C on the plus strand (T>G on the coding strand, the complement: CDKN2A is on the minus strand). VCF-style: chr9-21971145-A-C. GRCh37 (hg19) VCF-style: chr9-21971144-A-C.
Other names: c.214T>G, p.Cys72Gly (NM_000077.6, NM_001195132.2); c.61T>G, p.Cys21Gly (NM_001363763.2); c.257T>G, p.Leu86Arg (NM_058195.4); c.*137T>G (NM_058197.5); short protein forms C21G, C72G, L86R.
Identifiers: ClinVar variation 1436072 (VCV001436072.6), dbSNP rs1554654142, ClinGen allele CA373086313.